The following is an entry in ClinVar:

NM_145207.3(AFG2A):c.2485G>A (p.Asp829Asn)

Gene: AFG2A (AFG2 AAA ATPase homolog A; plus strand). Cytogenetic location: 4q28.1.
Variant type: single nucleotide variant.
Coding change: c.2485G>A on transcript NM_145207.3 (MANE Select); coding-DNA position 2485, G replaced by A.
Protein change: p.Asp829Asn; replaces aspartic acid 829 with asparagine.
Molecular consequence: missense variant.
Genome position (GRCh38, 1-based): chr4:123,256,160, G>A. VCF-style: chr4-123256160-G-A. GRCh37 (hg19) VCF-style: chr4-124177315-G-A.
Other names: c.2482G>A, p.Asp828Asn (NM_001345856.2); short protein forms D829N, D828N.
Identifiers: ClinVar variation 475727 (VCV000475727.2), dbSNP rs35206443, ClinGen allele CA358230816.

ClinVar aggregate classification (germline): Uncertain significance (1 of 4 stars; one submission).

Conditions:
Microcephaly-intellectual disability-sensorineural hearing loss-epilepsy-abnormal muscle tone syndrome (NEDHSB). Also called: NEURODEVELOPMENTAL DISORDER WITH HEARING LOSS, SEIZURES, AND BRAIN ABNORMALITIES. Identifiers: Orphanet 457351, MedGen C4225276, MONDO:0014698, OMIM 616577.

Allele frequency attached by ClinVar (database versions not stated): TOPMed 0.00001.
gnomAD v4.1: 53 of 1,614,018 alleles (0.0033%); highest among the groups gnomAD compares: Non-Finnish European, 0.0044%; no homozygotes.

Submission:

Labcorp Genetics (formerly Invitae), Labcorp
Classification: Uncertain significance for Microcephaly-intellectual disability-sensorineural hearing loss-epilepsy-abnormal muscle tone syndrome. Last evaluated: 2022-06-08. Review status: criteria provided, single submitter. Criteria: Invitae Variant Classification Sherloc (09022015). Collection method: clinical testing. Allele origin: germline.
Comment: This sequence change replaces aspartic acid, which is acidic and polar, with asparagine, which is neutral and polar, at codon 829 of the SPATA5 protein (p.Asp829Asn). This variant is present in population databases (no rsID available, gnomAD 0.003%). This variant has not been reported in the literature in individuals affected with SPATA5-related conditions. ClinVar contains an entry for this variant (Variation ID: 475727). Advanced modeling of protein sequence and biophysical properties (such as structural, functional, and spatial information, amino acid conservation, physicochemical variation, residue mobility, and thermodynamic stability) performed at Invitae indicates that this missense variant is not expected to disrupt SPATA5 protein function. In summary, the available evidence is currently insufficient to determine the role of this variant in disease. Therefore, it has been classified as a Variant of Uncertain Significance.